The following is an entry in ClinVar:

NM_001369268.1(ACAN):c.6035C>G (p.Thr2012Ser)

Gene: ACAN (aggrecan; plus strand). Cytogenetic location: 15q26.1.
Variant type: single nucleotide variant.
Coding change: c.6035C>G on transcript NM_001369268.1 (MANE Select); coding-DNA position 6035, C replaced by G.
Protein change: p.Thr2012Ser; replaces threonine 2012 with serine.
Molecular consequence: missense variant.
Genome position (GRCh38, 1-based): chr15:88,858,620, C>G. VCF-style: chr15-88858620-C-G. GRCh37 (hg19) VCF-style: chr15-89401851-C-G.
Other names: c.6035C>G, p.Thr2012Ser (NM_001411096.1, NM_001411097.1, NM_013227.4 and 1 more transcripts); short protein forms T2012S.
Identifiers: ClinVar variation 4795483 (VCV004795483.1).

ClinVar aggregate classification (germline): Uncertain significance (1 of 4 stars; one submission).

gnomAD v4.1: 1 of 1,613,940 alleles (0.000062%); highest among the groups gnomAD compares: African/African-American, 0.0013%; no homozygotes.

Submission:

GeneDx
Classification: Uncertain significance. Last evaluated: 2025-02-12. Review status: criteria provided, single submitter. Criteria: GeneDx Variant Classification Process June 2021. Collection method: clinical testing. Allele origin: germline. Affected: yes.
Comment: Not observed at significant frequency in large population cohorts (gnomAD); In silico analysis indicates that this missense variant does not alter protein structure/function; Has not been previously published as pathogenic or benign to our knowledge